The following is an entry in ClinVar:

NM_005465.7(AKT3):c.324A>T (p.Arg108Ser)

Gene: AKT3 (AKT serine/threonine kinase 3; minus strand). Cytogenetic location: 1q44.
Variant type: single nucleotide variant.
Coding change: c.324A>T on transcript NM_005465.7 (MANE Select); coding-DNA position 324, A replaced by T.
Protein change: p.Arg108Ser; replaces arginine 108 with serine.
Molecular consequence: missense variant.
Genome position (GRCh38, 1-based): chr1:243,645,998, T>A on the plus strand (A>T on the coding strand, the complement: AKT3 is on the minus strand). VCF-style: chr1-243645998-T-A. GRCh37 (hg19) VCF-style: chr1-243809300-T-A.
Other names: c.324A>T, p.Arg108Ser (NM_001206729.2, NM_001370074.1, NM_181690.2); c.324A>T (NM_005465.4); short protein forms R108S.
Identifiers: ClinVar variation 3711499 (VCV003711499.3).

ClinVar aggregate classification (germline): Conflicting classifications of pathogenicity. Review status: criteria provided, conflicting classifications (1 of 4 stars). 2 submissions from 2 submitters: Uncertain significance (1); Likely benign (1). Last evaluated 2025-08-07.

Conditions:
Inborn genetic diseases. Identifiers: MedGen C0950123, MeSH D030342.
Megalencephaly-polymicrogyria-polydactyly-hydrocephalus syndrome 2 (MPPH2). Also called: MEGALENCEPHALY-POLYMICROGYRIA-POLYDACTYLY-HYDROCEPHALUS SYNDROME 2, SOMATIC. Identifiers: Orphanet 83473, MedGen C4014738, MONDO:0014407, OMIM 615937.

gnomAD v4.1: 7 of 1,612,946 alleles (0.00043%); highest among the groups gnomAD compares: African/African-American, 0.0013%; no homozygotes.

Submissions (2):

Ambry Genetics
Classification: Likely benign for Inborn genetic diseases. Last evaluated: 2025-08-07. Review status: criteria provided, single submitter. Criteria: Ambry Variant Classification Scheme 2023. Collection method: clinical testing. Allele origin: germline.

Labcorp Genetics (formerly Invitae), Labcorp
Classification: Uncertain significance for Megalencephaly-polymicrogyria-polydactyly-hydrocephalus syndrome 2. Last evaluated: 2024-07-13. Review status: criteria provided, single submitter. Criteria: Invitae Variant Classification Sherloc (09022015). Collection method: clinical testing. Allele origin: germline.
Comment: This sequence change replaces arginine, which is basic and polar, with serine, which is neutral and polar, at codon 108 of the AKT3 protein (p.Arg108Ser). This variant is present in population databases (no rsID available, gnomAD 0.002%). This variant has not been reported in the literature in individuals affected with AKT3-related conditions. An algorithm developed to predict the effect of missense changes on protein structure and function (PolyPhen-2) suggests that this variant is likely to be tolerated. In summary, the available evidence is currently insufficient to determine the role of this variant in disease. Therefore, it has been classified as a Variant of Uncertain Significance.